The following is an entry in ClinVar:

ClinVar aggregate classification (germline): Uncertain significance (1 of 4 stars; one submission).

Conditions:
Gastrointestinal stromal tumor. Also called: Gastrointestinal stromal tumor, somatic; Gastrointestinal stroma tumor. Identifiers: Orphanet 44890, MedGen C0238198, MeSH D046152, MONDO:0011719, OMIM 606764, HP:0100723.
Pheochromocytoma/paraganglioma syndrome 3. Also called: GLOMUS TUMORS, FAMILIAL, 3; Paragangliomas 3; SDHC-Related Hereditary Paraganglioma-Pheochromocytoma Syndrome (Paragangliomas 3); SDHC-Related Hereditary Paraganglioma-Pheochromocytoma Syndrome. Identifiers: Orphanet 29072, MedGen C1854336, MONDO:0011544, OMIM 605373.

Submission:

Labcorp Genetics (formerly Invitae), Labcorp
Classification: Uncertain significance for Pheochromocytoma/paraganglioma syndrome 3; Gastrointestinal stromal tumor. Last evaluated: 2024-09-18. Review status: criteria provided, single submitter. Criteria: Invitae Variant Classification Sherloc (09022015). Collection method: clinical testing. Allele origin: germline.
Comment: This sequence change falls in intron 3 of the SDHC gene. It does not directly change the encoded amino acid sequence of the SDHC protein. This variant is not present in population databases (gnomAD no frequency). This variant has not been reported in the literature in individuals affected with SDHC-related conditions. Algorithms developed to predict the effect of sequence changes on RNA splicing suggest that this variant may disrupt the consensus splice site. In summary, the available evidence is currently insufficient to determine the role of this variant in disease. Therefore, it has been classified as a Variant of Uncertain Significance.

NM_003001.5(SDHC):c.180-13_180-12insA

Gene: SDHC (succinate dehydrogenase complex subunit C; plus strand). Cytogenetic location: 1q23.3.
Variant type: Insertion.
Coding change: c.180-13_180-12insA on transcript NM_003001.5 (MANE Select); 13 bases into the intron before coding-DNA position 180 through 12 bases into the intron before coding-DNA position 180, A inserted.
Molecular consequence: intron variant.
Genome position: GRCh38 VCF-style: chr1-161340581-T-TA. GRCh37 (hg19) VCF-style: chr1-161310371-T-TA.
Other names: c.69-13_69-12insA (NM_001407119.1, NM_001407120.1); c.300-13_300-12insA (NM_001407115.1); c.180-13_180-12insA (NM_001035511.3); c.78-13_78-12insA (NM_001035512.3, NM_001278172.3, NM_001407118.1); c.123-13_123-12insA (NM_001407116.1, NM_001407121.1, NM_001407117.1); c.21-13_21-12insA (NM_001035513.3).
Identifiers: ClinVar variation 3757654 (VCV003757654.2).